The following is an entry in ClinVar:

NM_001437.3(ESR2):c.199G>A (p.Gly67Ser)

Gene: ESR2 (estrogen receptor 2; minus strand). Cytogenetic location: 14q23.2.
Variant type: single nucleotide variant.
Coding change: c.199G>A on transcript NM_001437.3 (MANE Select); coding-DNA position 199, G replaced by A.
Protein change: p.Gly67Ser; replaces glycine 67 with serine.
Molecular consequence: missense variant. On other transcripts: non-coding transcript variant (2).
Genome position (GRCh38, 1-based): chr14:64,282,787, C>T on the plus strand (G>A on the coding strand, the complement: ESR2 is on the minus strand). VCF-style: chr14-64282787-C-T. GRCh37 (hg19) VCF-style: chr14-64749505-C-T.
Other names: c.199G>A, p.Gly67Ser (NM_001040275.1, NM_001214902.1, NM_001271876.1 and 3 more transcripts); short protein forms G67S.
Identifiers: ClinVar variation 2056658 (VCV002056658.4), dbSNP rs376782264, ClinGen allele CA7225652.
Genomic context (GRCh38, chr14:64,282,787, plus strand): 5'-AAAGGTGCCCAGGTGTTGGCCACAACACATTTGGGCTTGTGGTCTGCCGACCAGGCCCAC[C>T]TTCCAAGTTAGTGACATTGCTGGGAATGCTGTAATTCATCACAGCAGGGCTATAGAATGT-3'
Protein context (NP_001428.1, residues 57-77): SIPSNVTNLE[Gly67Ser]GPGRQTTSPN

ClinVar aggregate classification (germline): Uncertain significance (1 of 4 stars; one submission).

Allele frequency attached by ClinVar (database versions not stated): gnomAD 0.00005; gnomAD exomes 0.00012; ExAC 0.00014; TOPMed 0.00004.
gnomAD v4.1: 220 of 1,614,240 alleles (0.014%); highest among the groups gnomAD compares: East Asian, 0.19%; 4 homozygotes.

Submission:

Labcorp Genetics (formerly Invitae), Labcorp
Classification: Uncertain significance. Last evaluated: 2024-11-29. Review status: criteria provided, single submitter. Criteria: Invitae Variant Classification Sherloc (09022015). Collection method: clinical testing. Allele origin: germline.
Comment: This sequence change replaces glycine, which is neutral and non-polar, with serine, which is neutral and polar, at codon 67 of the ESR2 protein (p.Gly67Ser). This variant is present in population databases (rs376782264, gnomAD 0.09%), and has an allele count higher than expected for a pathogenic variant. This variant has not been reported in the literature in individuals affected with ESR2-related conditions. ClinVar contains an entry for this variant (Variation ID: 2056658). An algorithm developed to predict the effect of missense changes on protein structure and function outputs the following: PolyPhen-2: "Benign". The serine amino acid residue is found in multiple mammalian species, which suggests that this missense change does not adversely affect protein function. In summary, the available evidence is currently insufficient to determine the role of this variant in disease. Therefore, it has been classified as a Variant of Uncertain Significance.